The following is an entry in ClinVar:

NM_004260.4(RECQL4):c.2641G>A (p.Glu881Lys)

Gene: RECQL4 (RecQ like helicase 4; minus strand). Cytogenetic location: 8q24.3.
Variant type: single nucleotide variant.
Coding change: c.2641G>A on transcript NM_004260.4 (MANE Select); coding-DNA position 2641, G replaced by A.
Protein change: p.Glu881Lys; replaces glutamic acid 881 with lysine.
Molecular consequence: missense variant.
Genome position (GRCh38, 1-based): chr8:144,512,961, C>T on the plus strand (G>A on the coding strand, the complement: RECQL4 is on the minus strand). VCF-style: chr8-144512961-C-T. GRCh37 (hg19) VCF-style: chr8-145738344-C-T.
Other names: short protein forms E881K.
Identifiers: ClinVar variation 1493886 (VCV001493886.6), dbSNP rs2130670791, ClinGen allele CA372676740.

ClinVar aggregate classification (germline): Uncertain significance (1 of 4 stars; one submission).

Conditions:
Baller-Gerold syndrome (BGS). Also called: CRANIOSYNOSTOSIS WITH RADIAL DEFECTS. Identifiers: Orphanet 1225, MedGen C0265308, MONDO:0009039, OMIM 218600.

Allele frequency attached by ClinVar (database versions not stated): gnomAD exomes below 0.00001.
gnomAD v4.1: 1 of 1,572,782 alleles (0.000064%); highest among the groups gnomAD compares: Non-Finnish European, 0.000086%; no homozygotes.

Submission:

Labcorp Genetics (formerly Invitae), Labcorp
Classification: Uncertain significance for Baller-Gerold syndrome. Last evaluated: 2021-11-09. Review status: criteria provided, single submitter. Criteria: Invitae Variant Classification Sherloc (09022015). Collection method: clinical testing. Allele origin: germline.
Comment: In summary, the available evidence is currently insufficient to determine the role of this variant in disease. Therefore, it has been classified as a Variant of Uncertain Significance. Experimental studies and prediction algorithms are not available or were not evaluated, and the functional significance of this variant is currently unknown. This variant has not been reported in the literature in individuals affected with RECQL4-related conditions. This variant is not present in population databases (gnomAD no frequency). This sequence change replaces glutamic acid, which is acidic and polar, with lysine, which is basic and polar, at codon 881 of the RECQL4 protein (p.Glu881Lys).